The following is an entry in ClinVar:

ClinVar aggregate classification (germline): Uncertain significance. Review status: criteria provided, multiple submitters, no conflicts (2 of 4 stars). 4 submissions from 4 submitters: Uncertain significance (3). 1 of the submissions does not count toward it. Last evaluated 2024-09-04.

Conditions:
HYPERHOMOCYSTEINEMIA, THROMBOTIC, CBS-RELATED. Identifiers: MedGen C3150344, OMIM 236200.
Classic homocystinuria. Also called: Homocystinuria due to Cystathionine Beta-Synthase Deficiency; Homocystinuria due to CBS deficiency; Cystathionine beta-synthase deficiency; CBS deficiency; HOMOCYSTINURIA WITH OR WITHOUT RESPONSE TO PYRIDOXINE. Identifiers: Orphanet 394, MedGen C0751202, MONDO:0009352, OMIM 236200.

Allele frequency attached by ClinVar (database versions not stated): gnomAD exomes 0.00001 and 0.00003; ExAC 0.00003; gnomAD 0.00003.

Submissions (4):

Women's Health and Genetics/Laboratory Corporation of America, LabCorp
Classification: Uncertain significance. Last evaluated: 2024-09-04. Review status: criteria provided, single submitter. Criteria: LabCorp Variant Classification Summary - May 2015. Collection method: clinical testing. Allele origin: germline.
Comment: Variant summary: CBS c.1106G>A (p.Arg369His) results in a non-conservative amino acid change located in the Tryptophan synthase beta chain-like, PALP domain (IPR001926) of the encoded protein sequence. Five of five in-silico tools predict a damaging effect of the variant on protein function. The variant allele was found at a frequency of 1.2e-05 in 247156 control chromosomes. The available data on variant occurrences in the general population are insufficient to allow any conclusion about variant significance. c.1106G>A has been reported in the literature in an individual affected with Homocystinuria (Kraus_1994). These report(s) do not provide unequivocal conclusions about association of the variant with Homocystinuria. At least one publication reports experimental evidence evaluating an impact on protein function. These results showed no damaging effect of this variant (Mayfield_2012). The following publications have been ascertained in the context of this evaluation (PMID: 7967489, 22267502). ClinVar contains an entry for this variant (Variation ID: 578836). Based on the evidence outlined above, the variant was classified as uncertain significance.

ARUP Laboratories, Molecular Genetics and Genomics, ARUP Laboratories
Classification: Uncertain significance. Last evaluated: 2021-10-23. Review status: criteria provided, single submitter. Criteria: ARUP Molecular Germline Variant Investigation Process 2021. Collection method: clinical testing. Allele origin: germline.
Comment: The CBS c.1106G>A; p.Arg369His variant (rs11700812), is reported in the literature in several individuals affected with homocystinuria, although the clinical significant of this variant was not demonstrated (CBS mutation database and references therein). This variant is found on only four chromosomes (4/278538 alleles) in the Genome Aggregation Database. The arginine at codon 369 is highly conserved, and computational analyses predict that this variant is deleterious (REVEL: 0.907). Additionally, another amino acid substitution at this codon (p.Arg369Cys) has been reported in individuals with homocystinuria, although its clinical significance was considered uncertain (Kim 1997). Further, both the p.Arg369His and p.Arg369Cys variants exhibit activity comparable to wildtype CBS in yeast complementation assays (Kim 1997, Mayfield 2012). Due to limited and conflicting information, the clinical significance of the p.Arg369His variant is uncertain at this time. References: CBS mutation database: Kim et al. Functional modeling of vitamin responsiveness in yeast: a common pyridoxine-responsive cystathionine beta-synthase mutation in homocystinuria. Hum Mol Genet. 1997; 6(13): 2213-2221. Mayfield et al. Surrogate genetics and metabolic profiling for characterization of human disease alleles. Genetics. 2012 Apr;190(4):1309-23. PMID: 22267502.

Labcorp Genetics (formerly Invitae), Labcorp
Classification: Uncertain significance for HYPERHOMOCYSTEINEMIA, THROMBOTIC, CBS-RELATED. Last evaluated: 2021-09-02. Review status: criteria provided, single submitter. Criteria: Invitae Variant Classification Sherloc (09022015). Collection method: clinical testing. Allele origin: germline.
Comment: This sequence change replaces arginine with histidine at codon 369 of the CBS protein (p.Arg369His). The arginine residue is highly conserved and there is a small physicochemical difference between arginine and histidine. This variant is present in population databases (rs11700812, ExAC 0.01%). This missense change has been observed in individual(s) with CBS deficiency (PMID: 7967489). Algorithms developed to predict the effect of missense changes on protein structure and function are either unavailable or do not agree on the potential impact of this missense change (SIFT: "Tolerated"; PolyPhen-2: "Probably Damaging"; Align-GVGD: "Class C0"). Experimental studies have shown that this missense change does not substantially affect CBS function (PMID: 22267502). In summary, the available evidence is currently insufficient to determine the role of this variant in disease. Therefore, it has been classified as a Variant of Uncertain Significance.

Natera, Inc.
Classification: Uncertain significance for Homocystinuria due to cystathionine beta-synthase deficiency. Last evaluated: 2020-09-02. Review status: no assertion criteria provided. Collection method: clinical testing. Allele origin: germline. Not counted in ClinVar's aggregate classification.

Literature cited by the submitters: PubMed 22267502 (cited by Women's Health and Genetics/Laboratory Corporation of America, LabCorp and Labcorp Genetics (formerly Invitae), Labcorp); PubMed 7967489 (cited by Women's Health and Genetics/Laboratory Corporation of America, LabCorp and Labcorp Genetics (formerly Invitae), Labcorp).

NM_000071.3(CBS):c.1106G>A (p.Arg369His)

Gene: CBS (cystathionine beta-synthase; minus strand). Cytogenetic location: 21q22.3.
Variant type: single nucleotide variant.
Coding change: c.1106G>A on transcript NM_000071.3 (MANE Select); coding-DNA position 1106, G replaced by A.
Protein change: p.Arg369His; replaces arginine 369 with histidine.
Molecular consequence: missense variant.
Genome position (GRCh38, 1-based): chr21:43,060,480, C>T on the plus strand (G>A on the coding strand, the complement: CBS is on the minus strand). VCF-style: chr21-43060480-C-T. GRCh37 (hg19) VCF-style: chr21-44480590-C-T.
Other names: c.1106G>A, p.Arg369His (NM_001178008.3, NM_001178009.3, NM_001320298.2); c.791G>A, p.Arg264His (NM_001321072.1); short protein forms R369H, R264H.
Identifiers: ClinVar variation 578836 (VCV000578836.23), dbSNP rs11700812, ClinGen allele CA321689739.